The following is an entry in ClinVar:

NM_016507.4(CDK12):c.3062A>G (p.Lys1021Arg)

Gene: CDK12 (cyclin dependent kinase 12; plus strand). Cytogenetic location: 17q12.
Variant type: single nucleotide variant.
Coding change: c.3062A>G on transcript NM_016507.4 (MANE Select); coding-DNA position 3062, A replaced by G.
Protein change: p.Lys1021Arg; replaces lysine 1021 with arginine.
Molecular consequence: missense variant.
Genome position (GRCh38, 1-based): chr17:39,520,054, A>G. VCF-style: chr17-39520054-A-G. GRCh37 (hg19) VCF-style: chr17-37676307-A-G.
Other names: c.3062A>G, p.Lys1021Arg (NM_015083.4); short protein forms K1021R.
Identifiers: ClinVar variation 3999456 (VCV003999456.1).
Genomic context (GRCh38, chr17:39,520,054, plus strand): 5'-TGACACTAGATCCTAGTAAGCGGTGCACAGCTGAACAGACCCTACAGAGCGACTTCCTTA[A>G]AGATGTCGAACTCAGCAAAATGGCTCCTCCAGAGTAAGTGCTGGTAGCCATGTTGTGACC-3'
Protein context (NP_057591.2, residues 1011-1031): AEQTLQSDFL[Lys1021Arg]DVELSKMAPP

ClinVar aggregate classification (germline): Uncertain significance (1 of 4 stars; one submission).

gnomAD v4.1: 1 of 1,614,048 alleles (0.000062%); highest among the groups gnomAD compares: Non-Finnish European, 0.000085%; no homozygotes.

Submission:

Ambry Genetics
Classification: Uncertain significance. Last evaluated: 2025-05-16. Review status: criteria provided, single submitter. Criteria: Ambry Variant Classification Scheme 2023. Collection method: clinical testing. Allele origin: germline.
Comment: The p.K1021R variant (also known as c.3062A>G), located in coding exon 11 of the CDK12 gene, results from an A to G substitution at nucleotide position 3062. The lysine at codon 1021 is replaced by arginine, an amino acid with highly similar properties. This amino acid position is conserved. In addition, this alteration is predicted to be tolerated by in silico analysis. Based on the available evidence, the clinical significance of this variant remains unclear.